The following is an entry in ClinVar:

ClinVar aggregate classification (germline): Uncertain significance (1 of 4 stars; one submission).

Allele frequency attached by ClinVar (database versions not stated): gnomAD 0.00001; gnomAD exomes 0.00001; TOPMed 0.00002; ExAC 0.00005; ESP Exome Variant Server 0.00028.
gnomAD v4.1: 22 of 1,549,196 alleles (0.0014%); highest among the groups gnomAD compares: Non-Finnish European, 0.0017%; no homozygotes.

Submission:

Labcorp Genetics (formerly Invitae), Labcorp
Classification: Uncertain significance. Last evaluated: 2023-09-22. Review status: criteria provided, single submitter. Criteria: Invitae Variant Classification Sherloc (09022015). Collection method: clinical testing. Allele origin: germline.
Comment: This variant is present in population databases (rs373414808, gnomAD 0.004%). In summary, the available evidence is currently insufficient to determine the role of this variant in disease. Therefore, it has been classified as a Variant of Uncertain Significance. Variants that disrupt the consensus splice site are a relatively common cause of aberrant splicing (PMID: 17576681, 9536098). Algorithms developed to predict the effect of sequence changes on RNA splicing suggest that this variant may disrupt the consensus splice site. Algorithms developed to predict the effect of missense changes on protein structure and function output the following: SIFT: "Not Available"; PolyPhen-2: "Benign"; Align-GVGD: "Not Available". The lysine amino acid residue is found in multiple mammalian species, which suggests that this missense change does not adversely affect protein function. This variant has not been reported in the literature in individuals affected with NLRP1-related conditions. This sequence change replaces glutamic acid, which is acidic and polar, with lysine, which is basic and polar, at codon 1045 of the NLRP1 protein (p.Glu1045Lys). This variant also falls at the last nucleotide of exon 10, which is part of the consensus splice site for this exon.

Literature cited by the submitters: PubMed 17576681; PubMed 9536098.

NM_033004.4(NLRP1):c.3133G>A (p.Glu1045Lys)

Gene: NLRP1 (NLR family pyrin domain containing 1; minus strand). Cytogenetic location: 17p13.2.
Variant type: single nucleotide variant.
Coding change: c.3133G>A on transcript NM_033004.4 (MANE Select); coding-DNA position 3133, G replaced by A.
Protein change: p.Glu1045Lys; replaces glutamic acid 1045 with lysine.
Molecular consequence: missense variant.
Genome position (GRCh38, 1-based): chr17:5,533,304, C>T on the plus strand (G>A on the coding strand, the complement: NLRP1 is on the minus strand). VCF-style: chr17-5533304-C-T. GRCh37 (hg19) VCF-style: chr17-5436624-C-T.
Other names: c.3133G>A, p.Gly1045Ser (NM_001033053.3); c.3133G>A, p.Glu1045Lys (NM_014922.5); c.3043G>A, p.Glu1015Lys (NM_033006.4, NM_033007.4); short protein forms E1045K, E1015K, G1045S.
Identifiers: ClinVar variation 3011358 (VCV003011358.3), dbSNP rs373414808, ClinGen allele CA8326932.